The following is an entry in ClinVar:

NM_001286.5(CLCN6):c.1999C>T (p.Arg667Trp)

Gene: CLCN6 (chloride voltage-gated channel 6; plus strand). Cytogenetic location: 1p36.22.
Variant type: single nucleotide variant.
Coding change: c.1999C>T on transcript NM_001286.5 (MANE Select); coding-DNA position 1999, C replaced by T.
Protein change: p.Arg667Trp; replaces arginine 667 with tryptophan.
Molecular consequence: missense variant. On other transcripts: non-coding transcript variant (1).
Genome position (GRCh38, 1-based): chr1:11,837,017, C>T. VCF-style: chr1-11837017-C-T. GRCh37 (hg19) VCF-style: chr1-11897074-C-T.
Other names: c.1933C>T, p.Arg645Trp (NM_001256959.2); short protein forms R645W, R667W.
Identifiers: ClinVar variation 1721530 (VCV001721530.5), dbSNP rs1218924047, ClinGen allele CA338439333.
Genomic context (GRCh38, chr1:11,837,017, plus strand): 5'-CGTTTGCCCATGCGCAGTAGCCTGTGGCCTCCCCACCCACAGAAATCCAGCATCCTCACC[C>T]GGGCTGGCGAGCAGCGCAAACGGAGCCAGTCCATGAAGTCCTACCCATCCAGCGAGCTAC-3'
Protein context (NP_001277.2, residues 657-677): IKFKKSSILT[Arg667Trp]AGEQRKRSQS

ClinVar aggregate classification (germline): Uncertain significance (1 of 4 stars; one submission).

Allele frequency attached by ClinVar (database versions not stated): gnomAD 0.00001.
gnomAD v4.1: 11 of 1,610,876 alleles (0.00068%); highest among the groups gnomAD compares: Non-Finnish European, 0.00042%; no homozygotes.

Submission:

Labcorp Genetics (formerly Invitae), Labcorp
Classification: Uncertain significance. Last evaluated: 2022-10-13. Review status: criteria provided, single submitter. Criteria: Invitae Variant Classification Sherloc (09022015). Collection method: clinical testing. Allele origin: germline.
Comment: This variant has not been reported in the literature in individuals affected with CLCN6-related conditions. In summary, the available evidence is currently insufficient to determine the role of this variant in disease. Therefore, it has been classified as a Variant of Uncertain Significance. Algorithms developed to predict the effect of missense changes on protein structure and function are either unavailable or do not agree on the potential impact of this missense change (SIFT: "Deleterious"; PolyPhen-2: "Probably Damaging"; Align-GVGD: "Class C0"). This variant is present in population databases (no rsID available, gnomAD 0.02%). This sequence change replaces arginine, which is basic and polar, with tryptophan, which is neutral and slightly polar, at codon 667 of the CLCN6 protein (p.Arg667Trp).